The following is an entry in ClinVar:

NM_001005242.3(PKP2):c.13G>A (p.Gly5Ser)

Gene: PKP2 (plakophilin 2; minus strand). Cytogenetic location: 12p11.21.
Variant type: single nucleotide variant.
Coding change: c.13G>A on transcript NM_001005242.3 (MANE Select); coding-DNA position 13, G replaced by A.
Protein change: p.Gly5Ser; replaces glycine 5 with serine.
Molecular consequence: missense variant. On other transcripts: 5 prime UTR variant (4).
Genome position (GRCh38, 1-based): chr12:32,896,719, C>T on the plus strand (G>A on the coding strand, the complement: PKP2 is on the minus strand). VCF-style: chr12-32896719-C-T. GRCh37 (hg19) VCF-style: chr12-33049653-C-T.
Other names: c.13G>A, p.Gly5Ser (NM_001407155.1, NM_001407156.1, NM_001407157.1 and 2 more transcripts); c.-814G>A (NM_001407158.1, NM_001407162.1); c.-578G>A (NM_001407159.1, NM_001407160.1); short protein forms G5S.
Identifiers: ClinVar variation 3073116 (VCV003073116.1), dbSNP rs1957129337, ClinGen allele CA384371804.

ClinVar aggregate classification (germline): Uncertain significance (1 of 4 stars; one submission).

Conditions:
Arrhythmogenic right ventricular cardiomyopathy (ARVD). Also called: Arrhythmogenic right ventricular dysplasia; Cardiomyopathy, ARVC; Arrhythmogenic cardiomyopathy; Arrhythmogenic Right Ventricular Cardiomyopathy (ARVC). Identifiers: Orphanet 247, MedGen C0349788, MeSH D019571, MONDO:0016587. Disease mechanism: loss of function. Inheritance: Various modes of inheritance.

Allele frequency attached by ClinVar (database versions not stated): gnomAD exomes below 0.00001.
gnomAD v4.1: 1 of 1,465,616 alleles (0.000068%); highest among the groups gnomAD compares: Non-Finnish European, 0.00009%; no homozygotes.

Submission:

All of Us Research Program, National Institutes of Health
Classification: Uncertain significance for Arrhythmogenic right ventricular cardiomyopathy. Last evaluated: 2023-08-23. Review status: criteria provided, single submitter. Criteria: ACMG Guidelines, 2015. Collection method: clinical testing. Allele origin: germline. Inheritance: Autosomal dominant inheritance. Observed: 1 variant allele, 1 heterozygote.
Comment: This missense variant replaces glycine with serine at codon 5 of the PKP2 protein. Computational prediction suggests that this variant may not impact protein structure and function (internally defined REVEL score threshold <= 0.5, PMID: 27666373). To our knowledge, functional studies have not been reported for this variant. This variant has not been reported in individuals affected with PKP2-related disorders in the literature. This variant has not been identified in the general population by the Genome Aggregation Database (gnomAD). The available evidence is insufficient to determine the role of this variant in disease conclusively. Therefore, this variant is classified as a Variant of Uncertain Significance.

This study involves interpretation of variants in research participants for the purpose of population health screening. Participant phenotype was not available at the time of variant classification. Additional details can be found in publication PMID: 35346344, PMCID: PMC8962531